The following is an entry in ClinVar:

NM_138459.5(NUS1):c.58C>G (p.Arg20Gly)

Gene: NUS1 (NUS1 dehydrodolichyl diphosphate synthase subunit; plus strand). Cytogenetic location: 6q22.1.
Variant type: single nucleotide variant.
Coding change: c.58C>G on transcript NM_138459.5 (MANE Select); coding-DNA position 58, C replaced by G.
Protein change: p.Arg20Gly; replaces arginine 20 with glycine.
Molecular consequence: missense variant.
Genome position (GRCh38, 1-based): chr6:117,675,728, C>G. VCF-style: chr6-117675728-C-G. GRCh37 (hg19) VCF-style: chr6-117996891-C-G.
Other names: short protein forms R20G.
Identifiers: ClinVar variation 3658851 (VCV003658851.2).

ClinVar aggregate classification (germline): Uncertain significance (1 of 4 stars; one submission).

Conditions:
Congenital disorder of glycosylation, type Iaa. Also called: Congenital disorder of glycosylation, type 1aa. Identifiers: MedGen C4310727, MONDO:0014904, OMIM 617082.

Submission:

Labcorp Genetics (formerly Invitae), Labcorp
Classification: Uncertain significance for Congenital disorder of glycosylation, type Iaa. Last evaluated: 2024-07-06. Review status: criteria provided, single submitter. Criteria: Invitae Variant Classification Sherloc (09022015). Collection method: clinical testing. Allele origin: germline.
Comment: This sequence change replaces arginine, which is basic and polar, with glycine, which is neutral and non-polar, at codon 20 of the NUS1 protein (p.Arg20Gly). This variant is not present in population databases (gnomAD no frequency). This variant has not been reported in the literature in individuals affected with NUS1-related conditions. An algorithm developed to predict the effect of missense changes on protein structure and function (PolyPhen-2) suggests that this variant is likely to be disruptive. In summary, the available evidence is currently insufficient to determine the role of this variant in disease. Therefore, it has been classified as a Variant of Uncertain Significance.